The following is an entry in ClinVar:

NM_000038.6(APC):c.3509A>G (p.Lys1170Arg)

Gene: APC (APC regulator of Wnt signaling pathway; plus strand). Cytogenetic location: 5q22.2.
Variant type: single nucleotide variant.
Coding change: c.3509A>G on transcript NM_000038.6 (MANE Select); coding-DNA position 3509, A replaced by G.
Protein change: p.Lys1170Arg; replaces lysine 1170 with arginine.
Molecular consequence: missense variant.
Genome position (GRCh38, 1-based): chr5:112,839,103, A>G. VCF-style: chr5-112839103-A-G. GRCh37 (hg19) VCF-style: chr5-112174800-A-G.
Other names: c.3509A>G, p.Lys1170Arg (NM_001127510.3, NM_001354895.2); c.3455A>G, p.Lys1152Arg (NM_001127511.3); c.3563A>G, p.Lys1188Arg (NM_001354896.2); c.3539A>G, p.Lys1180Arg (NM_001354897.2); c.3434A>G, p.Lys1145Arg (NM_001354898.2); c.3425A>G, p.Lys1142Arg (NM_001354899.2); c.3386A>G, p.Lys1129Arg (NM_001354900.2); c.3332A>G, p.Lys1111Arg (NM_001354901.2); and 5 more; short protein forms K1152R, K1170R, K1069R, K1129R, K1142R, K1180R, K1010R, K1145R.
Identifiers: ClinVar variation 233118 (VCV000233118.21), dbSNP rs753325428, ClinGen allele CA035593.

ClinVar aggregate classification (germline): Uncertain significance. Review status: criteria provided, multiple submitters, no conflicts (2 of 4 stars). 5 submissions from 5 submitters: Uncertain significance (5). Last evaluated 2025-12-20.

Conditions:
Classic or attenuated familial adenomatous polyposis. Identifiers: MedGen CN372698, MONDO:0021057.
Familial adenomatous polyposis 1 (FAP1). Also called: FAMILIAL ADENOMATOUS POLYPOSIS 1, ATTENUATED; POLYPOSIS, ADENOMATOUS INTESTINAL. Identifiers: MedGen C2713442, MONDO:0021056, OMIM 175100. Disease mechanism: loss of function.
Hereditary cancer-predisposing syndrome. Also called: Neoplastic Syndromes, Hereditary; Tumor predisposition; Hereditary Cancer Syndrome; Hereditary neoplastic syndrome. Identifiers: Orphanet 140162, MedGen C0027672, MeSH D009386, MONDO:0015356.

Allele frequency attached by ClinVar (database versions not stated): TOPMed below 0.00001; ExAC 0.00001; gnomAD 0.00001; gnomAD exomes 0.00001.
gnomAD v4.1: 5 of 1,614,030 alleles (0.00031%); highest among the groups gnomAD compares: Non-Finnish European, 0.00042%; no homozygotes.

Submissions (5):

Labcorp Genetics (formerly Invitae), Labcorp
Classification: Uncertain significance for Familial adenomatous polyposis 1. Last evaluated: 2025-12-20. Review status: criteria provided, single submitter. Criteria: Invitae Variant Classification Sherloc (09022015). Collection method: clinical testing. Allele origin: germline.
Comment: This sequence change replaces lysine, which is basic and polar, with arginine, which is basic and polar, at codon 1170 of the APC protein (p.Lys1170Arg). This variant is present in population databases (rs753325428, gnomAD 0.003%). This variant has not been reported in the literature in individuals affected with APC-related conditions. ClinVar contains an entry for this variant (Variation ID: 233118). Invitae Evidence Modeling of protein sequence and biophysical properties (such as structural, functional, and spatial information, amino acid conservation, physicochemical variation, residue mobility, and thermodynamic stability) indicates that this missense variant is not expected to disrupt APC protein function with a negative predictive value of 95%. In summary, the available evidence is currently insufficient to determine the role of this variant in disease. Therefore, it has been classified as a Variant of Uncertain Significance.

Ambry Genetics
Classification: Uncertain significance for Hereditary cancer-predisposing syndrome. Last evaluated: 2024-11-07. Review status: criteria provided, single submitter. Criteria: Ambry Variant Classification Scheme 2023. Collection method: clinical testing. Allele origin: germline.
Comment: The p.K1170R variant (also known as c.3509A>G), located in coding exon 15 of the APC gene, results from an A to G substitution at nucleotide position 3509. The lysine at codon 1170 is replaced by arginine, an amino acid with highly similar properties. This amino acid position is not well conserved in available vertebrate species. In addition, in silico predictors for this gene do not accurately predict pathogenicity. Since supporting evidence is limited at this time, the clinical significance of this alteration remains unclear.

All of Us Research Program, National Institutes of Health
Classification: Uncertain significance for Classic or attenuated familial adenomatous polyposis. Last evaluated: 2024-04-16. Review status: criteria provided, single submitter. Criteria: ACMG Guidelines, 2015. Collection method: clinical testing. Allele origin: germline. Inheritance: Autosomal dominant inheritance. Observed: 2 variant alleles, 2 heterozygotes.
Comment: This missense variant replaces lysine with arginine at codon 1170 of the APC protein. Computational prediction suggests that this variant may not impact protein structure and function (internally defined REVEL score threshold <= 0.5, PMID: 27666373). To our knowledge, functional studies have not been reported for this variant. This variant has not been reported in individuals affected with APC-related disorders in the literature. This variant has been identified in 3/250360 chromosomes in the general population by the Genome Aggregation Database (gnomAD). The available evidence is insufficient to determine the role of this variant in disease conclusively. Therefore, this variant is classified as a Variant of Uncertain Significance.

This study involves interpretation of variants in research participants for the purpose of population health screening. Participant phenotype was not available at the time of variant classification. Additional details can be found in publication PMID: 35346344, PMCID: PMC8962531

Color Diagnostics, LLC DBA Color Health
Classification: Uncertain significance for Hereditary cancer-predisposing syndrome. Last evaluated: 2023-12-05. Review status: criteria provided, single submitter. Criteria: ACMG Guidelines, 2015. Collection method: clinical testing. Allele origin: germline.
Comment: This missense variant replaces lysine with arginine at codon 1170 of the APC protein. Computational prediction suggests that this variant may not impact protein structure and function (internally defined REVEL score threshold <= 0.5, PMID: 27666373). To our knowledge, functional studies have not been reported for this variant. This variant has not been reported in individuals affected with APC-related disorders in the literature. This variant has been identified in 3/250360 chromosomes in the general population by the Genome Aggregation Database (gnomAD). The available evidence is insufficient to determine the role of this variant in disease conclusively. Therefore, this variant is classified as a Variant of Uncertain Significance.

Quest Diagnostics Nichols Institute San Juan Capistrano
Classification: Uncertain significance. Last evaluated: 2019-02-07. Review status: criteria provided, single submitter. Criteria: Quest Diagnostics criteria. Collection method: clinical testing. Allele origin: germline.